The following is an entry in ClinVar:

NM_000642.3(AGL):c.4043T>G (p.Leu1348Ter)

Gene: AGL (amylo-alpha-1,6-glucosidase and 4-alpha-glucanotransferase; plus strand). Cytogenetic location: 1p21.2.
Variant type: single nucleotide variant.
Coding change: c.4043T>G on transcript NM_000642.3 (MANE Select); coding-DNA position 4043, T replaced by G.
Protein change: p.Leu1348Ter; replaces leucine 1348 with a stop codon.
Molecular consequence: nonsense.
Genome position (GRCh38, 1-based): chr1:99,913,620, T>G. VCF-style: chr1-99913620-T-G. GRCh37 (hg19) VCF-style: chr1-100379176-T-G.
Other names: c.4043T>G, p.Leu1348Ter (NM_000028.3, NM_000643.3, NM_000644.3 and 1 more transcripts); c.3995T>G, p.Leu1332Ter (NM_000646.3); c.4022T>G, p.Leu1341Ter (NM_001425326.1); c.3842T>G, p.Leu1281Ter (NM_001425327.1); c.3839T>G, p.Leu1280Ter (NM_001425328.1); c.3704T>G, p.Leu1235Ter (NM_001425329.1); c.3665T>G, p.Leu1222Ter (NM_001425332.1); short protein forms L1332*, L1348*, L1222*, L1235*, L1280*, L1281*, L1341*.
Identifiers: ClinVar variation 948080 (VCV000948080.10), dbSNP rs1654908371, ClinGen allele CA341339831.

ClinVar aggregate classification (germline): Pathogenic (1 of 4 stars; one submission).

Conditions:
Glycogen storage disease type III (GSD3). Also called: Cori disease; FORBES DISEASE. Identifiers: Orphanet 366, MedGen C0017922, MONDO:0009291, OMIM 232400.

Submission:

Labcorp Genetics (formerly Invitae), Labcorp
Classification: Pathogenic for Glycogen storage disease type III. Last evaluated: 2025-11-11. Review status: criteria provided, single submitter. Criteria: Invitae Variant Classification Sherloc (09022015). Collection method: clinical testing. Allele origin: germline.
Comment: This sequence change creates a premature translational stop signal (p.Leu1348*) in the AGL gene. It is expected to result in an absent or disrupted protein product. Loss-of-function variants in AGL are known to be pathogenic (PMID: 19299494). This variant is not present in population databases (gnomAD no frequency). This premature translational stop signal has been observed in individual(s) with glycogen storage disease (PMID: 19754354). ClinVar contains an entry for this variant (Variation ID: 948080). For these reasons, this variant has been classified as Pathogenic.

Literature cited by the submitters: PubMed 19299494; PubMed 19754354.